The following is an entry in ClinVar:

ClinVar aggregate classification (germline): Pathogenic (1 of 4 stars; one submission).

Conditions:
Vici syndrome (VICIS). Identifiers: Orphanet 1493, MedGen C1855772, MONDO:0009452, OMIM 242840.

Allele frequency attached by ClinVar (database versions not stated): gnomAD exomes below 0.00001; TOPMed below 0.00001.
gnomAD v4.1: 1 of 1,613,802 alleles (0.000062%); highest among the groups gnomAD compares: Non-Finnish European, 0.000085%; no homozygotes.

Submission:

Laboratory for Molecular Medicine, Mass General Brigham Personalized Medicine
Classification: Pathogenic for Vici syndrome. Last evaluated: 2016-05-16. Review status: criteria provided, single submitter. Criteria: LMM Criteria. Collection method: clinical testing. Allele origin: germline. Inheritance: Autosomal recessive inheritance. Observed: 1 variant allele.
Comment: The p.Trp1233X variant in EPG5 has not been reported in patients and was absent form large population studies. This nonsense variant leads to a premature termin ation codon at position 1233, which is predicted to lead to a truncated or absen t protein. Biallelic loss of function of the EPG5 gene has been associated with Vici syndrome (Cullup 2012). In summary, the p.Trp1233X variant meets our criter ia to be classified as pathogenic for Vici syndrome in an autosomal recessive ma nner based upon its predicted functional impact and absence from controls.

Literature cited by the submitters: PubMed 23222957.

NM_020964.3(EPG5):c.3698G>A (p.Trp1233Ter)

Gene: EPG5 (ectopic P-granules 5 autophagy tethering factor; minus strand). Cytogenetic location: 18q21.1.
Variant type: single nucleotide variant.
Coding change: c.3698G>A on transcript NM_020964.3 (MANE Select); coding-DNA position 3698, G replaced by A.
Protein change: p.Trp1233Ter; replaces tryptophan 1233 with a stop codon.
Molecular consequence: nonsense.
Genome position (GRCh38, 1-based): chr18:45,913,824, C>T on the plus strand (G>A on the coding strand, the complement: EPG5 is on the minus strand). VCF-style: chr18-45913824-C-T. GRCh37 (hg19) VCF-style: chr18-43493789-C-T.
Other names: short protein forms W1233*.
Identifiers: ClinVar variation 505026 (VCV000505026.5), dbSNP rs1555673917, ClinGen allele CA402341377.